The following is an entry in ClinVar:

NM_015909.4(NBAS):c.3713G>A (p.Cys1238Tyr)

Gene: NBAS (NBAS subunit of NRZ tethering complex; minus strand). Cytogenetic location: 2p24.3.
Variant type: single nucleotide variant.
Coding change: c.3713G>A on transcript NM_015909.4 (MANE Select); coding-DNA position 3713, G replaced by A.
Protein change: p.Cys1238Tyr; replaces cysteine 1238 with tyrosine.
Molecular consequence: missense variant. On other transcripts: non-coding transcript variant (1).
Genome position (GRCh38, 1-based): chr2:15,366,684, C>T on the plus strand (G>A on the coding strand, the complement: NBAS is on the minus strand). VCF-style: chr2-15366684-C-T. GRCh37 (hg19) VCF-style: chr2-15506808-C-T.
Other names: short protein forms C1238Y.
Identifiers: ClinVar variation 1927107 (VCV001927107.3), dbSNP rs1481722051, ClinGen allele CA345894627.

ClinVar aggregate classification (germline): Uncertain significance (1 of 4 stars; one submission).

Allele frequency attached by ClinVar (database versions not stated): gnomAD exomes below 0.00001; gnomAD 0.00001; TOPMed 0.00001.
gnomAD v4.1: 3 of 1,613,584 alleles (0.00019%); highest among the groups gnomAD compares: Non-Finnish European, 0.00025%; no homozygotes.

Submission:

Labcorp Genetics (formerly Invitae), Labcorp
Classification: Uncertain significance. Last evaluated: 2024-10-14. Review status: criteria provided, single submitter. Criteria: Invitae Variant Classification Sherloc (09022015). Collection method: clinical testing. Allele origin: germline.
Comment: This sequence change replaces cysteine, which is neutral and slightly polar, with tyrosine, which is neutral and polar, at codon 1238 of the NBAS protein (p.Cys1238Tyr). This variant is not present in population databases (gnomAD no frequency). This variant has not been reported in the literature in individuals affected with NBAS-related conditions. ClinVar contains an entry for this variant (Variation ID: 1927107). Invitae Evidence Modeling of protein sequence and biophysical properties (such as structural, functional, and spatial information, amino acid conservation, physicochemical variation, residue mobility, and thermodynamic stability) indicates that this missense variant is not expected to disrupt NBAS protein function with a negative predictive value of 95%. In summary, the available evidence is currently insufficient to determine the role of this variant in disease. Therefore, it has been classified as a Variant of Uncertain Significance.